The following is an entry in ClinVar:

NM_020975.6(RET):c.925G>A (p.Glu309Lys)

Gene: RET (ret proto-oncogene; plus strand). Cytogenetic location: 10q11.21.
Variant type: single nucleotide variant.
Coding change: c.925G>A on transcript NM_020975.6 (MANE Select); coding-DNA position 925, G replaced by A.
Protein change: p.Glu309Lys; replaces glutamic acid 309 with lysine.
Molecular consequence: missense variant.
Genome position (GRCh38, 1-based): chr10:43,106,433, G>A. VCF-style: chr10-43106433-G-A. GRCh37 (hg19) VCF-style: chr10-43601881-G-A.
Other names: c.925G>A, p.Glu309Lys (NM_000323.2, NM_001406743.1, NM_001406744.1 and 6 more transcripts); c.163G>A, p.Glu55Lys (NM_001355216.2); c.796G>A, p.Glu266Lys (NM_001406761.1, NM_001406762.1, NM_001406764.1 and 1 more transcripts); c.637G>A, p.Glu213Lys (NM_001406766.1, NM_001406767.1, NM_001406770.1); short protein forms E55K, E309K, E213K, E266K.
Identifiers: ClinVar variation 1510945 (VCV001510945.8), dbSNP rs769894584, ClinGen allele CA376545925.

ClinVar aggregate classification (germline): Uncertain significance. Review status: criteria provided, multiple submitters, no conflicts (2 of 4 stars). 2 submissions from 2 submitters: Uncertain significance (2). Last evaluated 2024-10-01.

Conditions:
Hereditary cancer-predisposing syndrome. Also called: Hereditary neoplastic syndrome; Neoplastic Syndromes, Hereditary; Tumor predisposition; Hereditary Cancer Syndrome. Identifiers: Orphanet 140162, MedGen C0027672, MeSH D009386, MONDO:0015356.
Multiple endocrine neoplasia, type 2 (MEN2). Identifiers: Orphanet 653, MedGen C4048306, MONDO:0019003. Disease mechanism: gain of function.

Submissions (2):

Ambry Genetics
Classification: Uncertain significance for Hereditary cancer-predisposing syndrome. Last evaluated: 2024-10-01. Review status: criteria provided, single submitter. Criteria: Ambry Variant Classification Scheme 2023. Collection method: clinical testing. Allele origin: germline.
Comment: The p.E309K variant (also known as c.925G>A), located in coding exon 5 of the RET gene, results from a G to A substitution at nucleotide position 925. The glutamic acid at codon 309 is replaced by lysine, an amino acid with similar properties. This amino acid position is conserved. In addition, this alteration is predicted to be tolerated by in silico analysis. Based on the available evidence, the clinical significance of this variant remains unclear.

Labcorp Genetics (formerly Invitae), Labcorp
Classification: Uncertain significance for Multiple endocrine neoplasia, type 2. Last evaluated: 2024-04-28. Review status: criteria provided, single submitter. Criteria: Invitae Variant Classification Sherloc (09022015). Collection method: clinical testing. Allele origin: germline.
Comment: This sequence change replaces glutamic acid, which is acidic and polar, with lysine, which is basic and polar, at codon 309 of the RET protein (p.Glu309Lys). This variant is not present in population databases (gnomAD no frequency). This variant has not been reported in the literature in individuals affected with RET-related conditions. ClinVar contains an entry for this variant (Variation ID: 1510945). An algorithm developed to predict the effect of missense changes on protein structure and function (PolyPhen-2) suggests that this variant is likely to be tolerated. In summary, the available evidence is currently insufficient to determine the role of this variant in disease. Therefore, it has been classified as a Variant of Uncertain Significance.